The following is an entry in ClinVar:

NM_003482.4(KMT2D):c.4379C>G (p.Pro1460Arg)

Gene: KMT2D (lysine methyltransferase 2D; minus strand). Cytogenetic location: 12q13.12.
Variant type: single nucleotide variant.
Coding change: c.4379C>G on transcript NM_003482.4 (MANE Select); coding-DNA position 4379, C replaced by G.
Protein change: p.Pro1460Arg; replaces proline 1460 with arginine.
Molecular consequence: missense variant.
Genome position (GRCh38, 1-based): chr12:49,046,648, G>C on the plus strand (C>G on the coding strand, the complement: KMT2D is on the minus strand). VCF-style: chr12-49046648-G-C. GRCh37 (hg19) VCF-style: chr12-49440431-G-C.
Other names: c.4379C>G (NM_003482.3); short protein forms P1460R.
Identifiers: ClinVar variation 932330 (VCV000932330.41), dbSNP rs1262943788, ClinGen allele CA384646757.
Genomic context (GRCh38, chr12:49,046,648, plus strand): 5'-TGAAGATCCCAGTCTCCTTACCACTTGCACTTCCAGCCGCCCTTGGGGACGGTGAGCAGT[G>C]GGGGGTCCAGGCAGTATGTGTGGTAGCTAATATCACAGTCATCACAGAGCAGCAGGCGTG-3'
Protein context (NP_003473.3, residues 1450-1470): ISYHTYCLDP[Pro1460Arg]LLTVPKGGWK

ClinVar aggregate classification (germline): Uncertain significance. Review status: criteria provided, multiple submitters, no conflicts (2 of 4 stars). 3 submissions from 3 submitters: Uncertain significance (3). Last evaluated 2024-08-17.

Conditions:
Kabuki syndrome. Also called: Kabuki make-up syndrome; NIIKAWA-KUROKI SYNDROME. Identifiers: Orphanet 2322, MedGen C0796004, MONDO:0016512.
KMT2D-related disorder. Also called: KMT2D-Related Disorders.

Submissions (3):

Labcorp Genetics (formerly Invitae), Labcorp
Classification: Uncertain significance for Kabuki syndrome. Last evaluated: 2024-08-17. Review status: criteria provided, single submitter. Criteria: Invitae Variant Classification Sherloc (09022015). Collection method: clinical testing. Allele origin: germline.
Comment: This sequence change replaces proline, which is neutral and non-polar, with arginine, which is basic and polar, at codon 1460 of the KMT2D protein (p.Pro1460Arg). This variant is not present in population databases (gnomAD no frequency). This variant has not been reported in the literature in individuals affected with KMT2D-related conditions. ClinVar contains an entry for this variant (Variation ID: 932330). Invitae Evidence Modeling of protein sequence and biophysical properties (such as structural, functional, and spatial information, amino acid conservation, physicochemical variation, residue mobility, and thermodynamic stability) indicates that this missense variant is expected to disrupt KMT2D protein function with a positive predictive value of 95%. In summary, the available evidence is currently insufficient to determine the role of this variant in disease. Therefore, it has been classified as a Variant of Uncertain Significance.

PreventionGenetics, part of Exact Sciences
Classification: Uncertain significance for KMT2D-related condition. Last evaluated: 2022-12-14. Review status: criteria provided, single submitter. Criteria: ACMG Guidelines, 2015. Collection method: clinical testing. Allele origin: germline.
Comment: The KMT2D c.4379C>G variant is predicted to result in the amino acid substitution p.Pro1460Arg. To our knowledge, this variant has not been reported in the literature or in a large population database, indicating this variant is rare. At this time, the clinical significance of this variant is uncertain due to the absence of conclusive functional and genetic evidence.

CeGaT Center for Human Genetics Tuebingen
Classification: Uncertain significance. Last evaluated: 2020-04-01. Review status: criteria provided, single submitter. Criteria: CeGaT Center For Human Genetics Tuebingen Variant Classification Criteria Version 2. Collection method: clinical testing. Allele origin: germline. Affected: yes. Observed: 1 variant allele.